The following is an entry in ClinVar:

NM_022124.6(CDH23):c.1117G>A (p.Val373Met)

Gene: CDH23 (cadherin related 23; plus strand). Cytogenetic location: 10q22.1.
Variant type: single nucleotide variant.
Coding change: c.1117G>A on transcript NM_022124.6 (MANE Select); coding-DNA position 1117, G replaced by A.
Protein change: p.Val373Met; replaces valine 373 with methionine.
Molecular consequence: missense variant.
Genome position (GRCh38, 1-based): chr10:71,617,376, G>A. VCF-style: chr10-71617376-G-A. GRCh37 (hg19) VCF-style: chr10-73377133-G-A.
Other names: c.1117G>A, p.Val373Met (NM_001171930.2, NM_001171931.2, NM_001171932.2 and 1 more transcripts); short protein forms V373M.
Identifiers: ClinVar variation 954902 (VCV000954902.8), dbSNP rs573032828, ClinGen allele CA377122681.

ClinVar aggregate classification (germline): Uncertain significance. Review status: criteria provided, single submitter (1 of 4 stars). 2 submissions from 2 submitters: Uncertain significance (1). 1 of the submissions does not count toward it. Last evaluated 2021-08-26.

Conditions:
Usher syndrome type 1 (USH1). Also called: RETINITIS PIGMENTOSA AND CONGENITAL DEAFNESS. Identifiers: Orphanet 231169, Orphanet 886, MedGen C1568247, MONDO:0010168, OMIM 276900.

gnomAD v4.1: 3 of 1,613,688 alleles (0.00019%); highest among the groups gnomAD compares: Non-Finnish European, 0.00025%; no homozygotes.

Submissions (2):

Labcorp Genetics (formerly Invitae), Labcorp
Classification: Uncertain significance. Last evaluated: 2021-08-26. Review status: criteria provided, single submitter. Criteria: Invitae Variant Classification Sherloc (09022015). Collection method: clinical testing. Allele origin: germline.
Comment: This sequence change replaces valine with methionine at codon 373 of the CDH23 protein (p.Val373Met). The valine residue is highly conserved and there is a small physicochemical difference between valine and methionine. This variant is not present in population databases (ExAC no frequency). This variant has not been reported in the literature in individuals affected with CDH23-related conditions. Algorithms developed to predict the effect of missense changes on protein structure and function are either unavailable or do not agree on the potential impact of this missense change (SIFT: "Deleterious"; PolyPhen-2: "Not Available"; Align-GVGD: "Class C15"). In summary, the available evidence is currently insufficient to determine the role of this variant in disease. Therefore, it has been classified as a Variant of Uncertain Significance.

Natera, Inc.
Classification: Uncertain significance for Usher syndrome type 1. Last evaluated: 2020-02-13. Review status: no assertion criteria provided. Collection method: clinical testing. Allele origin: germline. Not counted in ClinVar's aggregate classification.